The following is an entry in ClinVar:

ClinVar aggregate classification (germline): Likely benign. Review status: criteria provided, multiple submitters, no conflicts (2 of 4 stars). 6 submissions from 6 submitters: Likely benign (6). Last evaluated 2026-06-22.

Conditions:
GFAP-related disorder. Also called: GFAP-related disorders; GFAP-related condition.
Inborn genetic diseases. Identifiers: MedGen C0950123, MeSH D030342.

Allele frequency attached by ClinVar (database versions not stated): ESP Exome Variant Server 0.00015; 1000 Genomes Project 30x 0.00016; 1000 Genomes Project 0.00020.
gnomAD v4.1: 314 of 1,612,552 alleles (0.019%); highest among the groups gnomAD compares: Non-Finnish European, 0.019%; 1 homozygote.

Submissions (6):

PreventionGenetics, part of Exact Sciences
Classification: Likely benign for GFAP-related condition. Last evaluated: 2026-06-22. Review status: criteria provided, single submitter. Criteria: ACMG Guidelines, 2015. Collection method: clinical testing. Allele origin: germline.
Comment: This variant is classified as likely benign based on ACMG/AMP sequence variant interpretation guidelines (Richards et al. 2015 PMID: 25741868, with internal and published modifications).

Labcorp Genetics (formerly Invitae), Labcorp
Classification: Likely benign. Last evaluated: 2025-11-25. Review status: criteria provided, single submitter. Criteria: Invitae Variant Classification Sherloc (09022015). Collection method: clinical testing. Allele origin: germline.

CeGaT Center for Human Genetics Tuebingen
Classification: Likely benign. Last evaluated: 2025-07-01. Review status: criteria provided, single submitter. Criteria: CeGaT Center For Human Genetics Tuebingen Variant Classification Criteria Version 2. Collection method: clinical testing. Allele origin: germline. Affected: yes. Observed: 7 variant alleles.
Comment: GFAP: BS1

Laboratory of Genetics, Children's Clinical University Hospital Latvia
Classification: Likely benign. Last evaluated: 2025-02-16. Review status: criteria provided, single submitter. Criteria: ACMG Guidelines, 2015. Collection method: clinical testing. Allele origin: germline. Affected: yes.

Blueprint Genetics
Classification: Likely benign. Last evaluated: 2024-11-21. Review status: criteria provided, single submitter. Criteria: ACMG Guidelines, 2015. Collection method: clinical testing. Allele origin: germline.

Ambry Genetics
Classification: Likely benign for Inborn genetic diseases. Last evaluated: 2022-11-30. Review status: criteria provided, single submitter. Criteria: Ambry Variant Classification Scheme 2023. Collection method: clinical testing. Allele origin: germline.

NM_002055.5(GFAP):c.947G>A (p.Arg316Gln)

Gene: GFAP (glial fibrillary acidic protein; minus strand). Cytogenetic location: 17q21.31.
Variant type: single nucleotide variant.
Coding change: c.947G>A on transcript NM_002055.5 (MANE Select); coding-DNA position 947, G replaced by A.
Protein change: p.Arg316Gln; replaces arginine 316 with glutamine.
Molecular consequence: missense variant.
Genome position (GRCh38, 1-based): chr17:44,911,416, C>T on the plus strand (G>A on the coding strand, the complement: GFAP is on the minus strand). VCF-style: chr17-44911416-C-T. GRCh37 (hg19) VCF-style: chr17-42988784-C-T.
Other names: c.947G>A, p.Arg316Gln (NM_001131019.3, NM_001242376.3, NM_001363846.2); short protein forms R316Q.
Identifiers: ClinVar variation 1335277 (VCV001335277.44), dbSNP rs140004406, ClinGen allele CA8608788.